The following is an entry in ClinVar:

NM_001367805.3(KIF23):c.2275A>T (p.Ile759Phe)

Gene: KIF23 (kinesin family member 23; plus strand). Cytogenetic location: 15q23.
Variant type: single nucleotide variant.
Coding change: c.2275A>T on transcript NM_001367805.3 (MANE Select); coding-DNA position 2275, A replaced by T.
Protein change: p.Ile759Phe; replaces isoleucine 759 with phenylalanine.
Molecular consequence: missense variant. On other transcripts: non-coding transcript variant (1), intron variant (1).
Genome position (GRCh38, 1-based): chr15:69,440,933, A>T. VCF-style: chr15-69440933-A-T. GRCh37 (hg19) VCF-style: chr15-69733272-A-T.
Other names: c.1903A>T, p.Ile635Phe (NM_001281301.2); c.2233A>T, p.Ile745Phe (NM_001367804.2, NM_138555.4); c.2067+446A>T (NM_004856.7); short protein forms I745F, I635F, I759F.
Identifiers: ClinVar variation 1501008 (VCV001501008.8), dbSNP rs746703588, ClinGen allele CA272526505.

ClinVar aggregate classification (germline): Uncertain significance (1 of 4 stars; one submission).

Allele frequency attached by ClinVar (database versions not stated): gnomAD 0.00002 and 0.00004.
gnomAD v4.1: 9 of 1,614,082 alleles (0.00056%); highest among the groups gnomAD compares: Admixed American, 0.0067%; no homozygotes.

Submission:

Labcorp Genetics (formerly Invitae), Labcorp
Classification: Uncertain significance. Last evaluated: 2025-09-01. Review status: criteria provided, single submitter. Criteria: Invitae Variant Classification Sherloc (09022015). Collection method: clinical testing. Allele origin: germline.
Comment: This sequence change replaces isoleucine, which is neutral and non-polar, with phenylalanine, which is neutral and non-polar, at codon 745 of the KIF23 protein (p.Ile745Phe). This variant is present in population databases (no rsID available, gnomAD 0.007%). This variant has not been reported in the literature in individuals affected with KIF23-related conditions. ClinVar contains an entry for this variant (Variation ID: 1501008). An algorithm developed to predict the effect of missense changes on protein structure and function (PolyPhen-2) suggests that this variant is likely to be tolerated. In summary, the available evidence is currently insufficient to determine the role of this variant in disease. Therefore, it has been classified as a Variant of Uncertain Significance.